The following is an entry in ClinVar:

NM_001039958.2(MESP2):c.20_33dup (p.Gly12fs)

Gene: MESP2 (mesoderm posterior bHLH transcription factor 2; plus strand). Cytogenetic location: 15q26.1.
Variant type: Duplication.
Coding change: c.20_33dup on transcript NM_001039958.2 (MANE Select); coding-DNA positions 20 to 33, 14 bases duplicated (CGCAGAGCCTCCTC).
Protein change: p.Gly12fs; shifts the reading frame from glycine 12.
Molecular consequence: frameshift variant.
Genome position (GRCh38, 1-based): chr15:89,776,377-89,776,390, CGCAGAGCCTCCTC duplicated; duplicating any 14 consecutive bases within chr15:89,776,369-89,776,390 gives the same sequence; the c. name uses the placement nearest the transcript's 3' end. VCF-style (leftmost placement, unchanged base first): chr15-89776368-C-CGCCTCCTCCGCAGA. GRCh37 (hg19) VCF-style: chr15-90319599-C-CGCCTCCTCCGCAGA.
Other names: short protein forms G12fs.
Identifiers: ClinVar variation 1453610 (VCV001453610.6), dbSNP rs2141773765, ClinGen allele CA2573151366.

ClinVar aggregate classification (germline): Pathogenic (1 of 4 stars; one submission).

Submission:

Labcorp Genetics (formerly Invitae), Labcorp
Classification: Pathogenic. Last evaluated: 2021-12-21. Review status: criteria provided, single submitter. Criteria: Invitae Variant Classification Sherloc (09022015). Collection method: clinical testing. Allele origin: germline.
Comment: For these reasons, this variant has been classified as Pathogenic. Algorithms developed to predict the effect of sequence changes on RNA splicing suggest that this variant may create or strengthen a splice site. This variant has not been reported in the literature in individuals affected with MESP2-related conditions. This variant is not present in population databases (gnomAD no frequency). This sequence change creates a premature translational stop signal (p.Gly12Argfs*113) in the MESP2 gene. It is expected to result in an absent or disrupted protein product. Loss-of-function variants in MESP2 are known to be pathogenic (PMID: 9242490, 18485326).

Literature cited by the submitters: PubMed 9242490; PubMed 18485326.